The following is an entry in ClinVar:

ClinVar aggregate classification (germline): Uncertain significance (1 of 4 stars; one submission).

Submission:

Women's Health and Genetics/Laboratory Corporation of America, LabCorp
Classification: Uncertain significance. Last evaluated: 2024-06-11. Review status: criteria provided, single submitter. Criteria: LabCorp Variant Classification Summary - May 2015. Collection method: clinical testing. Allele origin: germline.
Comment: Variant summary: The variant involves the deletion of exons 1-8 the EEF1A2 gene. A presumed nomenclature of c.(?_-98)_(*285_?)del has been designated for the purposes of this classification. This deletion includes the entire coding sequence of the gene. However, current evidence is not sufficient to establish whether loss-of-function variants in the gene cause disease. As the exact proximal and distal breakpoints are unknown, it may extend beyond the annotated region of the gene to include other flanking genes. A large deletion that corresponds to the gene extends further (affecting other flanking genes) was found at a frequency of 2.5e-05 in 120768 control chromosomes in the gnomAD database (Structural Variants v4.1 dataset). The available data on variant occurrences in the general population are insufficient to allow any conclusion about variant significance. To our knowledge, no occurrence of c.(?_-98)_(*285_?)del in individuals affected with EEF1A2-Related Disorders and no experimental evidence demonstrating its impact on protein function have been reported. ClinVar contains an entry for this variant (Variation ID: 2424332). Based on the evidence outlined above, the variant was classified as uncertain significance.

NC_000020.10:g.(?_62119366)_(62130437_?)del

Gene: EEF1A2 (eukaryotic translation elongation factor 1 alpha 2; minus strand). Cytogenetic location: 20q13.33.
Variant type: Deletion.
Identifiers: ClinVar variation 3339616 (VCV003339616.1).